The following is an entry in ClinVar:

ClinVar aggregate classification (germline): Uncertain significance (1 of 4 stars; one submission).

Conditions:
Primary dilated cardiomyopathy (DCM). Also called: Dilated Cardiomyopathy. Identifiers: Orphanet 217604, MedGen C0007193, MeSH D002311, MONDO:0005021, HP:0001644. Inheritance: Various modes of inheritance.

Allele frequency attached by ClinVar (database versions not stated): ExAC 0.00001; gnomAD 0.00001.
gnomAD v4.1: 3 of 1,612,166 alleles (0.00019%); highest among the groups gnomAD compares: African/African-American, 0.004%; no homozygotes.

Submission:

Labcorp Genetics (formerly Invitae), Labcorp
Classification: Uncertain significance for Primary dilated cardiomyopathy. Last evaluated: 2023-10-11. Review status: criteria provided, single submitter. Criteria: Invitae Variant Classification Sherloc (09022015). Collection method: clinical testing. Allele origin: germline.
Comment: This sequence change replaces threonine, which is neutral and polar, with isoleucine, which is neutral and non-polar, at codon 728 of the NEBL protein (p.Thr728Ile). This variant is present in population databases (rs747856258, gnomAD 0.008%). This variant has not been reported in the literature in individuals affected with NEBL-related conditions. An algorithm developed to predict the effect of missense changes on protein structure and function (PolyPhen-2) suggests that this variant is likely to be tolerated. In summary, the available evidence is currently insufficient to determine the role of this variant in disease. Therefore, it has been classified as a Variant of Uncertain Significance.

NM_006393.3(NEBL):c.2183C>T (p.Thr728Ile)

Gene: NEBL (nebulette; minus strand). Cytogenetic location: 10p12.31.
Variant type: single nucleotide variant.
Coding change: c.2183C>T on transcript NM_006393.3 (MANE Select); coding-DNA position 2183, C replaced by T.
Protein change: p.Thr728Ile; replaces threonine 728 with isoleucine.
Molecular consequence: missense variant. On other transcripts: intron variant (9).
Genome position (GRCh38, 1-based): chr10:20,815,683, G>A on the plus strand (C>T on the coding strand, the complement: NEBL is on the minus strand). VCF-style: chr10-20815683-G-A. GRCh37 (hg19) VCF-style: chr10-21104612-G-A.
Other names: c.250-2743C>T (NM_001377326.1, NM_001377327.1, NM_001377328.1); c.358-2743C>T (NM_213569.2, NM_001173484.2, NM_001377322.1); c.301-2743C>T (NM_001377324.1); c.292-2743C>T (NM_001377325.1); c.310-2743C>T (NM_001377323.1); short protein forms T728I.
Identifiers: ClinVar variation 2872305 (VCV002872305.3), dbSNP rs747856258, ClinGen allele CA5432571.